The following is an entry in ClinVar:

NM_000642.3(AGL):c.1823G>A (p.Cys608Tyr)

Gene: AGL (amylo-alpha-1,6-glucosidase and 4-alpha-glucanotransferase; plus strand). Cytogenetic location: 1p21.2.
Variant type: single nucleotide variant.
Coding change: c.1823G>A on transcript NM_000642.3 (MANE Select); coding-DNA position 1823, G replaced by A.
Protein change: p.Cys608Tyr; replaces cysteine 608 with tyrosine.
Molecular consequence: missense variant.
Genome position (GRCh38, 1-based): chr1:99,880,719, G>A. VCF-style: chr1-99880719-G-A. GRCh37 (hg19) VCF-style: chr1-100346275-G-A.
Other names: c.1823G>A, p.Cys608Tyr (NM_000028.3, NM_000643.3, NM_000644.3 and 2 more transcripts); c.1775G>A, p.Cys592Tyr (NM_000646.3); c.1622G>A, p.Cys541Tyr (NM_001425327.1); c.1619G>A, p.Cys540Tyr (NM_001425328.1, NM_001425329.1); c.1445G>A, p.Cys482Tyr (NM_001425332.1); short protein forms C608Y, C592Y, C482Y, C540Y, C541Y.
Identifiers: ClinVar variation 1404662 (VCV001404662.9), dbSNP rs1317587334, ClinGen allele CA341316697.

ClinVar aggregate classification (germline): Uncertain significance. Review status: criteria provided, multiple submitters, no conflicts (2 of 4 stars). 3 submissions from 3 submitters: Uncertain significance (3). Last evaluated 2023-04-11.

Conditions:
Inborn genetic diseases. Identifiers: MedGen C0950123, MeSH D030342.
Glycogen storage disease type III (GSD3). Also called: Cori disease; FORBES DISEASE. Identifiers: Orphanet 366, MedGen C0017922, MONDO:0009291, OMIM 232400.

Allele frequency attached by ClinVar (database versions not stated): gnomAD exomes below 0.00001; TOPMed below 0.00001.
gnomAD v4.1: 2 of 1,614,024 alleles (0.00012%); highest among the groups gnomAD compares: Non-Finnish European, 0.00017%; no homozygotes.

Submissions (3):

Genome-Nilou Lab
Classification: Uncertain significance for Glycogen storage disease type III. Last evaluated: 2023-04-11. Review status: criteria provided, single submitter. Criteria: ACMG Guidelines, 2015. Collection method: clinical testing. Allele origin: germline. Affected: no.

Ambry Genetics
Classification: Uncertain significance for Inborn genetic diseases. Last evaluated: 2022-11-18. Review status: criteria provided, single submitter. Criteria: Ambry Variant Classification Scheme 2023. Collection method: clinical testing. Allele origin: germline.

Labcorp Genetics (formerly Invitae), Labcorp
Classification: Uncertain significance for Glycogen storage disease type III. Last evaluated: 2021-01-20. Review status: criteria provided, single submitter. Criteria: Invitae Variant Classification Sherloc (09022015). Collection method: clinical testing. Allele origin: germline.
Comment: This variant is not present in population databases (ExAC no frequency). This sequence change replaces cysteine with tyrosine at codon 608 of the AGL protein (p.Cys608Tyr). The cysteine residue is weakly conserved and there is a large physicochemical difference between cysteine and tyrosine. This variant has not been reported in the literature in individuals with AGL-related conditions. In summary, the available evidence is currently insufficient to determine the role of this variant in disease. Therefore, it has been classified as a Variant of Uncertain Significance. Algorithms developed to predict the effect of missense changes on protein structure and function (SIFT, PolyPhen-2, Align-GVGD) all suggest that this variant is likely to be tolerated, but these predictions have not been confirmed by published functional studies and their clinical significance is uncertain.